The following is an entry in ClinVar:

ClinVar aggregate classification (germline): Uncertain significance (1 of 4 stars; one submission).

Allele frequency attached by ClinVar (database versions not stated): TOPMed below 0.00001; gnomAD 0.00001; gnomAD exomes 0.00001.
gnomAD v4.1: 16 of 1,599,360 alleles (0.001%); highest among the groups gnomAD compares: African/African-American, 0.0027%; no homozygotes.

Submission:

Labcorp Genetics (formerly Invitae), Labcorp
Classification: Uncertain significance. Last evaluated: 2023-09-01. Review status: criteria provided, single submitter. Criteria: Invitae Variant Classification Sherloc (09022015). Collection method: clinical testing. Allele origin: germline.
Comment: This sequence change replaces valine, which is neutral and non-polar, with leucine, which is neutral and non-polar, at codon 9 of the ERBIN protein (p.Val9Leu). In summary, the available evidence is currently insufficient to determine the role of this variant in disease. Therefore, it has been classified as a Variant of Uncertain Significance. An algorithm developed to predict the effect of missense changes on protein structure and function (PolyPhen-2) suggests that this variant is likely to be tolerated. This variant has not been reported in the literature in individuals affected with ERBIN-related conditions. This variant is present in population databases (no rsID available, gnomAD 0.0009%).

NM_001253697.2(ERBIN):c.25G>T (p.Val9Leu)

Gene: ERBIN (erbb2 interacting protein; plus strand). Cytogenetic location: 5q12.3.
Variant type: single nucleotide variant.
Coding change: c.25G>T on transcript NM_001253697.2 (MANE Select); coding-DNA position 25, G replaced by T.
Protein change: p.Val9Leu; replaces valine 9 with leucine.
Molecular consequence: missense variant.
Genome position (GRCh38, 1-based): chr5:65,992,743, G>T. VCF-style: chr5-65992743-G-T. GRCh37 (hg19) VCF-style: chr5-65288571-G-T.
Other names: c.25G>T, p.Val9Leu (NM_001006600.3, NM_001253698.2, NM_001253699.2 and 2 more transcripts); short protein forms V9L.
Identifiers: ClinVar variation 2986821 (VCV002986821.3), dbSNP rs1027538616, ClinGen allele CA359971720.